The following is an entry in ClinVar:

ClinVar aggregate classification (germline): Uncertain significance (1 of 4 stars; one submission).

Conditions:
Malignant hyperthermia, susceptibility to, 5 (MHS5). Also called: CACNA1S-Related Malignant Hyperthermia Susceptibility. Identifiers: Orphanet 423, MedGen C1866077, MONDO:0011163, OMIM 601887.

gnomAD v4.1: 1 of 1,614,150 alleles (0.000062%); highest among the groups gnomAD compares: Non-Finnish European, 0.000085%; no homozygotes.

Submission:

Color Diagnostics, LLC DBA Color Health
Classification: Uncertain significance for Malignant hyperthermia, susceptibility to, 5. Last evaluated: 2025-09-01. Review status: criteria provided, single submitter. Criteria: ACMG Guidelines, 2015. Collection method: clinical testing. Allele origin: germline.
Comment: This missense variant replaces isoleucine with valine at codon 1050 of the CACNA1S protein. Computational prediction suggests that this variant may have deleterious impact on protein structure and function. To our knowledge, functional studies have not been reported for this variant. This variant has not been reported in individuals affected with CACNA1S-related disorders in the literature. This variant has not been identified in the general population by the Genome Aggregation Database (gnomAD). The available evidence is insufficient to determine the role of this variant in disease conclusively. Therefore, this variant is classified as a Variant of Uncertain Significance.

NM_000069.3(CACNA1S):c.3148A>G (p.Ile1050Val)

Gene: CACNA1S (calcium voltage-gated channel subunit alpha1 S; minus strand). Cytogenetic location: 1q32.1.
Variant type: single nucleotide variant.
Coding change: c.3148A>G on transcript NM_000069.3 (MANE Select); coding-DNA position 3148, A replaced by G.
Protein change: p.Ile1050Val; replaces isoleucine 1050 with valine.
Molecular consequence: missense variant.
Genome position (GRCh38, 1-based): chr1:201,061,374, T>C on the plus strand (A>G on the coding strand, the complement: CACNA1S is on the minus strand). VCF-style: chr1-201061374-T-C. GRCh37 (hg19) VCF-style: chr1-201030502-T-C.
Other names: short protein forms I1050V.
Identifiers: ClinVar variation 4756250 (VCV004756250.1).